The following is an entry in ClinVar:

NM_003482.4(KMT2D):c.10048G>A (p.Val3350Met)

Gene: KMT2D (lysine methyltransferase 2D; minus strand). Cytogenetic location: 12q13.12.
Variant type: single nucleotide variant.
Coding change: c.10048G>A on transcript NM_003482.4 (MANE Select); coding-DNA position 10048, G replaced by A.
Protein change: p.Val3350Met; replaces valine 3350 with methionine.
Molecular consequence: missense variant.
Genome position (GRCh38, 1-based): chr12:49,037,308, C>T on the plus strand (G>A on the coding strand, the complement: KMT2D is on the minus strand). VCF-style: chr12-49037308-C-T. GRCh37 (hg19) VCF-style: chr12-49431091-C-T.
Other names: short protein forms V3350M.
Identifiers: ClinVar variation 3340586 (VCV003340586.1).

ClinVar aggregate classification (germline): Uncertain significance (1 of 4 stars; one submission).

Submission:

GeneDx
Classification: Uncertain significance. Last evaluated: 2023-05-25. Review status: criteria provided, single submitter. Criteria: GeneDx Variant Classification Process June 2021. Collection method: clinical testing. Allele origin: germline. Affected: yes.
Comment: Not observed at significant frequency in large population cohorts (gnomAD); In silico analysis supports that this missense variant does not alter protein structure/function; Identified in a demised fetus, although the limited phenotypic information available did not support the presence of developmental abnormalities, and variants in other genes were reported (Halcrow et al., 2018; Bhattacharya et al., 2018); This variant is associated with the following publications: (PMID: 30025270, 29567674)